The following is an entry in ClinVar:

NM_000204.5(CFI):c.949C>T (p.Arg317Trp)

Gene: CFI (complement factor I; minus strand). Cytogenetic location: 4q25.
Variant type: single nucleotide variant.
Coding change: c.949C>T on transcript NM_000204.5 (MANE Select); coding-DNA position 949, C replaced by T.
Protein change: p.Arg317Trp; replaces arginine 317 with tryptophan.
Molecular consequence: missense variant. On other transcripts: non-coding transcript variant (3).
Genome position (GRCh38, 1-based): chr4:109,749,594, G>A on the plus strand (C>T on the coding strand, the complement: CFI is on the minus strand). VCF-style: chr4-109749594-G-A. GRCh37 (hg19) VCF-style: chr4-110670750-G-A.
Other names: c.973C>T, p.Arg325Trp (NM_001318057.2, NM_001375278.1); c.928C>T, p.Arg310Trp (NM_001331035.2, NM_001375280.1, NM_001375282.1); c.949C>T, p.Arg317Trp (NM_001375279.1, NM_001375281.1); c.892C>T, p.Arg298Trp (NM_001375283.1); c.340C>T, p.Arg114Trp (NM_001375284.1); short protein forms R317W, R325W, R310W, R114W, R298W.
Identifiers: ClinVar variation 12125 (VCV000012125.15), dbSNP rs121964917, ClinGen allele CA256220.

ClinVar aggregate classification (germline): Uncertain significance. Review status: criteria provided, multiple submitters, no conflicts (2 of 4 stars). 5 submissions from 5 submitters: Uncertain significance (4). 1 of the submissions does not count toward it. Last evaluated 2025-09-26.

Conditions:
Age related macular degeneration 13. Identifiers: MedGen C3809523, MONDO:0014189, OMIM 615439.
Atypical hemolytic-uremic syndrome with I factor anomaly. Also called: HEMOLYTIC UREMIC SYNDROME, ATYPICAL, SUSCEPTIBILITY TO, 3; AHUS, SUSCEPTIBILITY TO, 3. Identifiers: Orphanet 2134, MedGen C2752039, MONDO:0013041, OMIM 612923.
Factor I deficiency (CFID). Also called: Complement factor I deficiency. Identifiers: Orphanet 200418, MedGen C3463916, MONDO:0012594, OMIM 610984.
CFI-related disorder. Also called: CFI-related disorders; CFI-related condition. Identifiers: MedGen CN239325.

Allele frequency attached by ClinVar (database versions not stated): TOPMed 0.00007; gnomAD exomes 0.00009 and 0.00007; gnomAD 0.00006 and 0.00007; ExAC 0.00010.
gnomAD v4.1: 111 of 1,590,590 alleles (0.007%); highest among the groups gnomAD compares: Middle Eastern, 0.017%; no homozygotes.

Submissions (5):

Genomenon, Inc
Classification: Uncertain significance for CFI-related disorder. Last evaluated: 2025-09-26. Review status: criteria provided, single submitter. Criteria: Genomenon Sequence Variant Interpretation Standards - Updated. Collection method: curation. Allele origin: germline. Affected: yes.
Comment: CFI p.Arg317Trp (c.949C>T) is a missense variant that changes the amino acid at residue 317 from Arginine to Tryptophan. This variant has been observed in at least one proband affected with a CFI-related disorder (PMID:34169201;35615072;35619721;16621965;32510551). The variant was found to segregate with disease in at least one affected family (PMID:16621965). Functional studies have been reported; however, the significance of the findings remain unclear (PMID:39238643;19877009;32510551;17597211;32908800). It is absent or not present at a significant frequency in gnomAD. In conclusion, we classify CFI p.Arg317Trp (c.949C>T) as a variant of unknown significance.

Labcorp Genetics (formerly Invitae), Labcorp
Classification: Uncertain significance. Last evaluated: 2025-09-25. Review status: criteria provided, single submitter. Criteria: Invitae Variant Classification Sherloc (09022015). Collection method: clinical testing. Allele origin: germline.
Comment: This sequence change replaces arginine, which is basic and polar, with tryptophan, which is neutral and slightly polar, at codon 317 of the CFI protein (p.Arg317Trp). This variant is present in population databases (rs121964917, gnomAD 0.02%). This missense change has been observed in individual(s) with atypical hemolytic uremic syndrome (PMID: 16621965, 34169201). This variant is also known as R299W. ClinVar contains an entry for this variant (Variation ID: 12125). Invitae Evidence Modeling of protein sequence and biophysical properties (such as structural, functional, and spatial information, amino acid conservation, physicochemical variation, residue mobility, and thermodynamic stability) indicates that this missense variant is not expected to disrupt CFI protein function with a negative predictive value of 80%. Experimental studies are conflicting or provide insufficient evidence to determine the effect of this variant on CFI function (PMID: 17597211, 19877009). In summary, the available evidence is currently insufficient to determine the role of this variant in disease. Therefore, it has been classified as a Variant of Uncertain Significance.

Fulgent Genetics
Classification: Uncertain significance for Factor I deficiency; Atypical hemolytic-uremic syndrome with I factor anomaly; Age related macular degeneration 13. Last evaluated: 2021-07-14. Review status: criteria provided, single submitter. Criteria: ACMG Guidelines, 2015. Collection method: clinical testing. Allele origin: unknown.

Mayo Clinic Laboratories, Mayo Clinic
Classification: Uncertain significance. Last evaluated: 2021-05-20. Review status: criteria provided, single submitter. Criteria: ACMG Guidelines, 2015. Collection method: clinical testing. Allele origin: germline.

OMIM
Classification: risk factor for HEMOLYTIC UREMIC SYNDROME, ATYPICAL, SUSCEPTIBILITY TO, 3. Last evaluated: 2006-08-15. Review status: no assertion criteria provided. Collection method: literature only. Allele origin: germline. Not counted in ClinVar's aggregate classification.

Literature cited by the submitters: PubMed 34169201 (cited by Genomenon, Inc and Labcorp Genetics (formerly Invitae), Labcorp); 35615072 (cited by Genomenon, Inc); 35619721 (cited by Genomenon, Inc); 16621965 (cited by Genomenon, Inc); 32510551 (cited by Genomenon, Inc); 39238643 (cited by Genomenon, Inc); 19877009 (cited by Genomenon, Inc); 17597211 (cited by Genomenon, Inc); 32908800 (cited by Genomenon, Inc); PubMed 16621965 (cited by Labcorp Genetics (formerly Invitae), Labcorp and OMIM); PubMed 17597211 (cited by Labcorp Genetics (formerly Invitae), Labcorp); PubMed 19877009 (cited by Labcorp Genetics (formerly Invitae), Labcorp).